The following is an entry in ClinVar:

NM_002439.5(MSH3):c.3230A>G (p.Asp1077Gly)

Gene: MSH3 (mutS homolog 3; plus strand). Cytogenetic location: 5q14.1.
Variant type: single nucleotide variant.
Coding change: c.3230A>G on transcript NM_002439.5 (MANE Select); coding-DNA position 3230, A replaced by G.
Protein change: p.Asp1077Gly; replaces aspartic acid 1077 with glycine.
Molecular consequence: missense variant.
Genome position (GRCh38, 1-based): chr5:80,873,215, A>G. VCF-style: chr5-80873215-A-G. GRCh37 (hg19) VCF-style: chr5-80169034-A-G.
Other names: c.3230A>G (NM_002439.3); short protein forms D1077G.
Identifiers: ClinVar variation 1002810 (VCV001002810.12), dbSNP rs773474817, ClinGen allele CA360346989.

ClinVar aggregate classification (germline): Uncertain significance. Review status: criteria provided, multiple submitters, no conflicts (2 of 4 stars). 2 submissions from 2 submitters: Uncertain significance (2). Last evaluated 2025-04-13.

Conditions:
Hereditary cancer-predisposing syndrome. Also called: Hereditary neoplastic syndrome; Neoplastic Syndromes, Hereditary; Tumor predisposition; Hereditary Cancer Syndrome. Identifiers: Orphanet 140162, MedGen C0027672, MeSH D009386, MONDO:0015356.

Submissions (2):

Labcorp Genetics (formerly Invitae), Labcorp
Classification: Uncertain significance. Last evaluated: 2025-04-13. Review status: criteria provided, single submitter. Criteria: Invitae Variant Classification Sherloc (09022015). Collection method: clinical testing. Allele origin: germline.
Comment: This sequence change replaces aspartic acid, which is acidic and polar, with glycine, which is neutral and non-polar, at codon 1077 of the MSH3 protein (p.Asp1077Gly). This variant is not present in population databases (gnomAD no frequency). This variant has not been reported in the literature in individuals affected with MSH3-related conditions. ClinVar contains an entry for this variant (Variation ID: 1002810). An algorithm developed to predict the effect of missense changes on protein structure and function (PolyPhen-2) suggests that this variant is likely to be tolerated. In summary, the available evidence is currently insufficient to determine the role of this variant in disease. Therefore, it has been classified as a Variant of Uncertain Significance.

Ambry Genetics
Classification: Uncertain significance for Hereditary cancer-predisposing syndrome. Last evaluated: 2023-04-07. Review status: criteria provided, single submitter. Criteria: Ambry Variant Classification Scheme 2023. Collection method: clinical testing. Allele origin: germline.
Comment: The p.D1077G variant (also known as c.3230A>G), located in coding exon 23 of the MSH3 gene, results from an A to G substitution at nucleotide position 3230. The aspartic acid at codon 1077 is replaced by glycine, an amino acid with similar properties. This amino acid position is conserved. In addition, the in silico prediction for this alteration is inconclusive. Since supporting evidence is limited at this time, the clinical significance of this alteration remains unclear.